The following is an entry in ClinVar:

ClinVar aggregate classification (germline): Pathogenic. Review status: criteria provided, single submitter (1 of 4 stars). 2 submissions from 2 submitters: Pathogenic (1). 1 of the submissions does not count toward it. Last evaluated 2025-03-23.

Conditions:
Alkaptonuria (AKU). Also called: Alcaptonuria; Homogentisic acidura; Alkaptonuric ochronosis; HOMOGENTISIC ACID OXIDASE DEFICIENCY. Identifiers: Orphanet 56, MedGen C0002066, MONDO:0008753, OMIM 203500.

Submissions (2):

Labcorp Genetics (formerly Invitae), Labcorp
Classification: Pathogenic for Alkaptonuria. Last evaluated: 2025-03-23. Review status: criteria provided, single submitter. Criteria: Invitae Variant Classification Sherloc (09022015). Collection method: clinical testing. Allele origin: germline.
Comment: This sequence change affects the initiator methionine of the HGD mRNA. The next in-frame methionine is located at codon 142. This variant is not present in population databases (gnomAD no frequency). Disruption of the initiator codon has been observed in individual(s) with alkaptonuria (PMID: 33621656). ClinVar contains an entry for this variant (Variation ID: 370258). This variant disrupts a region of the HGD protein in which other variant(s) (p.Leu4Ser) have been determined to be pathogenic (PMID: 12501223, 16085442, 19862842; internal data). This suggests that this is a clinically significant region of the protein, and that variants that disrupt it are likely to be disease-causing. For these reasons, this variant has been classified as Pathogenic.

Counsyl
Classification: Likely pathogenic for Alkaptonuria. Last evaluated: 2015-12-29. Review status: no assertion criteria provided. Collection method: clinical testing. Allele origin: unknown. Not counted in ClinVar's aggregate classification.

Literature cited by the submitters: PubMed 33621656 (cited by Labcorp Genetics (formerly Invitae), Labcorp); PubMed 12501223 (cited by Labcorp Genetics (formerly Invitae), Labcorp); PubMed 16085442 (cited by Labcorp Genetics (formerly Invitae), Labcorp); PubMed 19862842 (cited by Labcorp Genetics (formerly Invitae), Labcorp).

NM_000187.4(HGD):c.3G>C (p.Met1Ile)

Gene: HGD (homogentisate 1,2-dioxygenase; minus strand). Cytogenetic location: 3q13.33.
Variant type: single nucleotide variant.
Coding change: c.3G>C on transcript NM_000187.4 (MANE Select); coding-DNA position 3, G replaced by C.
Protein change: p.Met1Ile; changes the start codon (methionine 1).
Molecular consequence: missense variant, initiator codon variant.
Genome position (GRCh38, 1-based): chr3:120,682,109, C>G on the plus strand (G>C on the coding strand, the complement: HGD is on the minus strand). VCF-style: chr3-120682109-C-G. GRCh37 (hg19) VCF-style: chr3-120400956-C-G.
Other names: short protein forms M1I.
Identifiers: ClinVar variation 370258 (VCV000370258.8), dbSNP rs1057516355, ClinGen allele CA16040901.
Genomic context (GRCh38, chr3:120,682,109, plus strand): 5'-AAATTTTGGCTGAAGAAGCCATAGCAAACTTGTCAGATGGTTTCTTACCTTTAACTCAGC[C>G]ATTTTCTCTCTCCTCTATGTGTGGTGACTTCAGGAAACCCAGGCCCAGAGGATATAAAGC-3'
Protein context (NP_000178.2, residues 1-11): [Met1Ile]AELKYISGFG